The following is an entry in ClinVar:

NM_007286.6(SYNPO):c.2692G>A (p.Glu898Lys)

Gene: SYNPO (synaptopodin; plus strand). Cytogenetic location: 5q33.1.
Variant type: single nucleotide variant.
Coding change: c.2692G>A on transcript NM_007286.6 (MANE Select); coding-DNA position 2692, G replaced by A.
Protein change: p.Glu898Lys; replaces glutamic acid 898 with lysine.
Molecular consequence: missense variant.
Genome position (GRCh38, 1-based): chr5:150,657,067, G>A. VCF-style: chr5-150657067-G-A. GRCh37 (hg19) VCF-style: chr5-150036629-G-A.
Other names: short protein forms E898K.
Identifiers: ClinVar variation 2143297 (VCV002143297.4), dbSNP rs41360746, ClinGen allele CA3513659.

ClinVar aggregate classification (germline): Uncertain significance (1 of 4 stars; one submission).

Allele frequency attached by ClinVar (database versions not stated): gnomAD exomes 0.00007; ExAC 0.00021; gnomAD 0.00021; TOPMed 0.00023; 1000 Genomes Project 30x 0.00078; 1000 Genomes Project 0.00080.
gnomAD v4.1: 129 of 1,592,664 alleles (0.0081%); highest among the groups gnomAD compares: African/African-American, 0.078%; no homozygotes.

Submission:

Labcorp Genetics (formerly Invitae), Labcorp
Classification: Uncertain significance. Last evaluated: 2023-06-15. Review status: criteria provided, single submitter. Criteria: Invitae Variant Classification Sherloc (09022015). Collection method: clinical testing. Allele origin: germline.
Comment: In summary, the available evidence is currently insufficient to determine the role of this variant in disease. Therefore, it has been classified as a Variant of Uncertain Significance. This sequence change replaces glutamic acid, which is acidic and polar, with lysine, which is basic and polar, at codon 898 of the SYNPO protein (p.Glu898Lys). This variant is present in population databases (rs41360746, gnomAD 0.07%), and has an allele count higher than expected for a pathogenic variant. This variant has not been reported in the literature in individuals affected with SYNPO-related conditions. ClinVar contains an entry for this variant (Variation ID: 2143297). An algorithm developed to predict the effect of missense changes on protein structure and function (PolyPhen-2) suggests that this variant is likely to be disruptive.